The following is an entry in ClinVar:

NM_058216.3(RAD51C):c.79C>T (p.Leu27=)

Gene: RAD51C (RAD51 paralog C; plus strand). Cytogenetic location: 17q22.
Variant type: single nucleotide variant.
Coding change: c.79C>T on transcript NM_058216.3 (MANE Select); coding-DNA position 79, C replaced by T.
Protein change: p.Leu27=; no amino-acid change (leucine 27 retained).
Molecular consequence: synonymous variant. On other transcripts: non-coding transcript variant (1).
Genome position (GRCh38, 1-based): chr17:58,692,722, C>T. VCF-style: chr17-58692722-C-T. GRCh37 (hg19) VCF-style: chr17-56770083-C-T.
Other names: c.79C>T, p.Leu27= (NM_002876.4).
Identifiers: ClinVar variation 184900 (VCV000184900.22), dbSNP rs786201775, ClinGen allele CA190418.

ClinVar aggregate classification (germline): Benign/Likely benign. Review status: criteria provided, multiple submitters, no conflicts (2 of 4 stars). 6 submissions from 6 submitters: Benign (1); Likely benign (5). Last evaluated 2025-11-12.

Conditions:
Breast-ovarian cancer, familial, susceptibility to, 3. Also called: RAD51C-Related Breast/Ovarian Cancer. Identifiers: Orphanet 145, MedGen C3150659, MONDO:0013253, OMIM 613399.
Fanconi anemia complementation group O. Also called: RAD51C-Related Fanconi Anemia. Identifiers: Orphanet 84, MedGen C3150653, MONDO:0013248, OMIM 613390.
Hereditary cancer-predisposing syndrome. Also called: Tumor predisposition; Hereditary Cancer Syndrome; Hereditary neoplastic syndrome; Neoplastic Syndromes, Hereditary. Identifiers: Orphanet 140162, MedGen C0027672, MeSH D009386, MONDO:0015356.

Allele frequency attached by ClinVar (database versions not stated): gnomAD 0.00001; TOPMed 0.00001.
gnomAD v4.1: 26 of 1,614,106 alleles (0.0016%); highest among the groups gnomAD compares: Non-Finnish European, 0.002%; no homozygotes.

Submissions (6):

Labcorp Genetics (formerly Invitae), Labcorp
Classification: Likely benign for Fanconi anemia complementation group O. Last evaluated: 2025-11-12. Review status: criteria provided, single submitter. Criteria: Invitae Variant Classification Sherloc (09022015). Collection method: clinical testing. Allele origin: germline.

Women's Health and Genetics/Laboratory Corporation of America, LabCorp
Classification: Likely benign. Last evaluated: 2025-07-29. Review status: criteria provided, single submitter. Criteria: LabCorp Variant Classification Summary - May 2015. Collection method: clinical testing. Allele origin: germline.
Comment: Variant summary: RAD51C c.79C>T alters a conserved nucleotide resulting in a synonymous change. Consensus agreement among computation tools predict no significant impact on normal splicing. However, these predictions have yet to be confirmed by functional studies. The variant was absent in 251474 control chromosomes. The available data on variant occurrences in the general population are insufficient to allow any conclusion about variant significance. To our knowledge, no occurrence of c.79C>T in individuals affected with Hereditary Breast And Ovarian Cancer Syndrome and no experimental evidence demonstrating its impact on protein function have been reported. ClinVar contains an entry for this variant (Variation ID: 184900). Based on the evidence outlined above, the variant was classified as likely benign.

Myriad Genetics, Inc.
Classification: Benign for Breast-ovarian cancer, familial, susceptibility to, 3. Last evaluated: 2025-02-14. Review status: criteria provided, single submitter. Criteria: Myriad Autosomal Dominant, Autosomal Recessive and X-Linked Classification Criteria (2023). Collection method: clinical testing. Allele origin: unknown.
Comment: This variant is considered benign. This variant is a silent/synonymous amino acid change and it is not expected to impact splicing.

Fulgent Genetics
Classification: Likely benign for Fanconi anemia complementation group O; Breast-ovarian cancer, familial, susceptibility to, 3. Last evaluated: 2022-04-19. Review status: criteria provided, single submitter. Criteria: ACMG Guidelines, 2015. Collection method: clinical testing. Allele origin: unknown.

GeneDx
Classification: Likely benign. Last evaluated: 2019-09-03. Review status: criteria provided, single submitter. Criteria: GeneDx Variant Classification Process June 2021. Collection method: clinical testing. Allele origin: germline. Affected: yes.

Ambry Genetics
Classification: Likely benign for Hereditary cancer-predisposing syndrome. Last evaluated: 2017-04-12. Review status: criteria provided, single submitter. Criteria: Ambry Variant Classification Scheme 2023. Collection method: clinical testing. Allele origin: germline.